The following is an entry in ClinVar:

NM_020964.3(EPG5):c.2532G>C (p.Glu844Asp)

Gene: EPG5 (ectopic P-granules 5 autophagy tethering factor; minus strand). Cytogenetic location: 18q21.1.
Variant type: single nucleotide variant.
Coding change: c.2532G>C on transcript NM_020964.3 (MANE Select); coding-DNA position 2532, G replaced by C.
Protein change: p.Glu844Asp; replaces glutamic acid 844 with aspartic acid.
Molecular consequence: missense variant.
Genome position (GRCh38, 1-based): chr18:45,928,890, C>G on the plus strand (G>C on the coding strand, the complement: EPG5 is on the minus strand). VCF-style: chr18-45928890-C-G. GRCh37 (hg19) VCF-style: chr18-43508856-C-G.
Other names: short protein forms E844D.
Identifiers: ClinVar variation 672455 (VCV000672455.13), dbSNP rs3744999, ClinGen allele CA8949408.

ClinVar aggregate classification (germline): Benign. Review status: criteria provided, multiple submitters, no conflicts (2 of 4 stars). 4 submissions from 4 submitters: Benign (4). Last evaluated 2026-02-04.

Conditions:
Vici syndrome (VICIS). Identifiers: Orphanet 1493, MedGen C1855772, MONDO:0009452, OMIM 242840.

Allele frequency attached by ClinVar (database versions not stated): ESP Exome Variant Server 0.04571; gnomAD 0.04674 and 0.04963; gnomAD exomes 0.04675 and 0.05409; TOPMed 0.04723; ExAC 0.05655; 1000 Genomes Project 30x 0.07058; 1000 Genomes Project 0.07208.
gnomAD v4.1: 75,803 of 1,613,506 alleles (4.7%); highest among the groups gnomAD compares: South Asian, 13%; 2,458 homozygotes.

Submissions (4):

Labcorp Genetics (formerly Invitae), Labcorp
Classification: Benign for Vici syndrome. Last evaluated: 2026-02-04. Review status: criteria provided, single submitter. Criteria: Invitae Variant Classification Sherloc (09022015). Collection method: clinical testing. Allele origin: germline.

Blueprint Genetics
Classification: Benign. Last evaluated: 2024-11-28. Review status: criteria provided, single submitter. Criteria: ACMG Guidelines, 2015. Collection method: clinical testing. Allele origin: germline.

GeneDx
Classification: Benign. Last evaluated: 2018-05-01. Review status: criteria provided, single submitter. Criteria: GeneDx Variant Classification (06012015). Collection method: clinical testing. Allele origin: germline. Affected: yes.
Comment: This variant is considered likely benign or benign based on one or more of the following criteria: it is a conservative change, it occurs at a poorly conserved position in the protein, it is predicted to be benign by multiple in silico algorithms, and/or has population frequency not consistent with disease.

Breakthrough Genomics
Classification: Benign. Review status: criteria provided, single submitter. Criteria: ACMG Guidelines, 2015. Collection method: not provided. Allele origin: germline. Inheritance: Autosomal recessive inheritance. Affected: yes.